The following is an entry in ClinVar:

NM_016138.5(COQ7):c.73+111C>A

Genes: COQ7 (coenzyme Q7, hydroxylase; plus strand), LOC130058588 (ATAC-STARR-seq lymphoblastoid active region 10523; plus strand). Cytogenetic location: 16p12.3.
Variant type: single nucleotide variant.
Coding change: c.73+111C>A on transcript NM_016138.5 (MANE Select); 111 bases into the intron after coding-DNA position 73, C replaced by A.
Molecular consequence: intron variant.
Genome position (GRCh38, 1-based): chr16:19,067,848, C>A. VCF-style: chr16-19067848-C-A. GRCh37 (hg19) VCF-style: chr16-19079170-C-A.
Other names: c.73+111C>A (NM_001370490.1); c.-42+18C>A (NM_001370494.1).
Identifiers: ClinVar variation 669701 (VCV000669701.2), dbSNP rs35787586, ClinGen allele CA14263199.

ClinVar aggregate classification (germline): Benign. Review status: criteria provided, multiple submitters, no conflicts (2 of 4 stars). 2 submissions from 2 submitters: Benign (2). Last evaluated 2018-06-14.

Allele frequency attached by ClinVar (database versions not stated): 1000 Genomes Project 0.15256; 1000 Genomes Project 30x 0.15303; gnomAD 0.17746 and 0.18255; TOPMed 0.17900.
gnomAD v4.1: 274,721 of 1,516,458 alleles (18%); highest among the groups gnomAD compares: Admixed American, 22%; 25,928 homozygotes.

Submissions (2):

GeneDx
Classification: Benign. Last evaluated: 2018-06-14. Review status: criteria provided, single submitter. Criteria: GeneDx Variant Classification (06012015). Collection method: clinical testing. Allele origin: germline. Affected: yes.
Comment: This variant is considered likely benign or benign based on one or more of the following criteria: it is a conservative change, it occurs at a poorly conserved position in the protein, it is predicted to be benign by multiple in silico algorithms, and/or has population frequency not consistent with disease.

Breakthrough Genomics
Classification: Benign. Review status: criteria provided, single submitter. Criteria: ACMG Guidelines, 2015. Collection method: not provided. Allele origin: germline. Inheritance: Autosomal recessive inheritance. Affected: yes.